The following is an entry in ClinVar:

ClinVar aggregate classification (germline): Uncertain significance. Review status: criteria provided, multiple submitters, no conflicts (2 of 4 stars). 2 submissions from 2 submitters: Uncertain significance (2). Last evaluated 2024-06-01.

Conditions:
Inborn genetic diseases. Identifiers: MedGen C0950123, MeSH D030342.

Allele frequency attached by ClinVar (database versions not stated): gnomAD 0.00001; gnomAD exomes 0.00001; TOPMed 0.00002.

Submissions (2):

CeGaT Center for Human Genetics Tuebingen
Classification: Uncertain significance. Last evaluated: 2024-06-01. Review status: criteria provided, single submitter. Criteria: CeGaT Center For Human Genetics Tuebingen Variant Classification Criteria Version 2. Collection method: clinical testing. Allele origin: germline. Affected: yes. Observed: 1 variant allele.
Comment: EDEM3: PM2, BP4

Ambry Genetics
Classification: Uncertain significance for Inborn genetic diseases. Last evaluated: 2022-10-25. Review status: criteria provided, single submitter. Criteria: Ambry Variant Classification Scheme 2023. Collection method: clinical testing. Allele origin: germline.

NM_025191.4(EDEM3):c.2072A>G (p.Asn691Ser)

Gene: EDEM3 (ER degradation enhancing alpha-mannosidase like protein 3; minus strand). Cytogenetic location: 1q25.3.
Variant type: single nucleotide variant.
Coding change: c.2072A>G on transcript NM_025191.4 (MANE Select); coding-DNA position 2072, A replaced by G.
Protein change: p.Asn691Ser; replaces asparagine 691 with serine.
Molecular consequence: missense variant. On other transcripts: non-coding transcript variant (1).
Genome position (GRCh38, 1-based): chr1:184,706,774, T>C on the plus strand (A>G on the coding strand, the complement: EDEM3 is on the minus strand). VCF-style: chr1-184706774-T-C. GRCh37 (hg19) VCF-style: chr1-184675908-T-C.
Other names: c.2072A>G, p.Asn691Ser (NM_001319960.2); short protein forms N691S.
Identifiers: ClinVar variation 2319026 (VCV002319026.20), dbSNP rs373286484, ClinGen allele CA1287180.